The following is an entry in ClinVar:

NM_001211.6(BUB1B):c.22G>C (p.Gly8Arg)

Genes: BUB1B (BUB1 mitotic checkpoint serine/threonine kinase B; plus strand), LOC130056830 (ATAC-STARR-seq lymphoblastoid active region 9236; plus strand). Cytogenetic location: 15q15.1.
Variant type: single nucleotide variant.
Coding change: c.22G>C on transcript NM_001211.6 (MANE Select); coding-DNA position 22, G replaced by C.
Protein change: p.Gly8Arg; replaces glycine 8 with arginine.
Molecular consequence: missense variant.
Genome position (GRCh38, 1-based): chr15:40,161,242, G>C. VCF-style: chr15-40161242-G-C. GRCh37 (hg19) VCF-style: chr15-40453443-G-C.
Other names: short protein forms G8R.
Identifiers: ClinVar variation 3221382 (VCV003221382.1), dbSNP rs2037039568, ClinGen allele CA391676488.

ClinVar aggregate classification (germline): Uncertain significance (1 of 4 stars; one submission).

Conditions:
Inborn genetic diseases. Identifiers: MedGen C0950123, MeSH D030342.

Submission:

Ambry Genetics
Classification: Uncertain significance for Inborn genetic diseases. Last evaluated: 2023-12-08. Review status: criteria provided, single submitter. Criteria: Ambry Variant Classification Scheme 2023. Collection method: clinical testing. Allele origin: germline.
Comment: The p.G8R variant (also known as c.22G>C), located in coding exon 1 of the BUB1B gene, results from a G to C substitution at nucleotide position 22. The glycine at codon 8 is replaced by arginine, an amino acid with dissimilar properties. This amino acid position is conserved. In addition, this alteration is predicted to be tolerated by in silico analysis. Since supporting evidence is limited at this time, the clinical significance of this alteration remains unclear.